The following is an entry in ClinVar:

NM_000501.4(ELN):c.416G>A (p.Gly139Glu)

Gene: ELN (elastin; plus strand). Cytogenetic location: 7q11.23.
Variant type: single nucleotide variant.
Coding change: c.416G>A on transcript NM_000501.4 (MANE Select); coding-DNA position 416, G replaced by A.
Protein change: p.Gly139Glu; replaces glycine 139 with glutamic acid.
Molecular consequence: missense variant.
Genome position (GRCh38, 1-based): chr7:74,043,157, G>A. VCF-style: chr7-74043157-G-A. GRCh37 (hg19) VCF-style: chr7-73457487-G-A.
Other names: c.386G>A, p.Gly129Glu (NM_001081752.3, NM_001278917.2, NM_001278918.2); c.431G>A, p.Gly144Glu (NM_001081753.3, NM_001081754.3); c.416G>A, p.Gly139Glu (NM_001081755.3, NM_001278912.2, NM_001278915.2 and 2 more transcripts); c.380G>A, p.Gly127Glu (NM_001278913.2); c.401G>A, p.Gly134Glu (NM_001278914.2); c.416G>A (NM_001278939.1); short protein forms G127E, G129E, G134E, G139E, G144E.
Identifiers: ClinVar variation 2632008 (VCV002632008.5), dbSNP rs201885729, ClinGen allele CA4292471.

ClinVar aggregate classification (germline): Conflicting classifications of pathogenicity. Review status: criteria provided, conflicting classifications (1 of 4 stars). 5 submissions from 5 submitters: Uncertain significance (3); Likely benign (2). Last evaluated 2026-03-27.

Conditions:
Cutis laxa, autosomal dominant 1 (ADCL1). Also called: ELN-Related Cutis Laxa. Identifiers: Orphanet 90348, MedGen C3276539, MONDO:0007411, OMIM 123700. Disease mechanism: Dominant Negative.
Supravalvar aortic stenosis (SVAS). Also called: Supravalvar aortic stenosis, Eisenberg type. Identifiers: Orphanet 3193, MedGen C0003499, MONDO:0008504, OMIM 185500, HP:0004381.
ELN-related disorder.

Allele frequency attached by ClinVar (database versions not stated): gnomAD 0.00001; TOPMed 0.00002; 1000 Genomes Project 30x 0.00016; 1000 Genomes Project 0.00020.
gnomAD v4.1: 29 of 1,602,112 alleles (0.0018%); highest among the groups gnomAD compares: East Asian, 0.011%; no homozygotes.

Submissions (5):

Molecular Diagnostic Laboratory for Inherited Cardiovascular Disease, Montreal Heart Institute
Classification: Likely benign. Last evaluated: 2026-03-27. Review status: criteria provided, single submitter. Criteria: ACMG Guidelines, 2015. Collection method: clinical testing. Allele origin: germline. Affected: no.
Comment: BS1, BP1

Labcorp Genetics (formerly Invitae), Labcorp
Classification: Uncertain significance for Supravalvar aortic stenosis. Last evaluated: 2025-05-08. Review status: criteria provided, single submitter. Criteria: Invitae Variant Classification Sherloc (09022015). Collection method: clinical testing. Allele origin: germline.
Comment: This sequence change replaces glycine, which is neutral and non-polar, with glutamic acid, which is acidic and polar, at codon 139 of the ELN protein (p.Gly139Glu). This variant is present in population databases (rs201885729, gnomAD 0.006%). This variant has not been reported in the literature in individuals affected with ELN-related conditions. ClinVar contains an entry for this variant (Variation ID: 2632008). Invitae Evidence Modeling of protein sequence and biophysical properties (such as structural, functional, and spatial information, amino acid conservation, physicochemical variation, residue mobility, and thermodynamic stability) indicates that this missense variant is not expected to disrupt ELN protein function with a negative predictive value of 80%. In summary, the available evidence is currently insufficient to determine the role of this variant in disease. Therefore, it has been classified as a Variant of Uncertain Significance.

Blueprint Genetics
Classification: Likely benign. Last evaluated: 2024-06-03. Review status: criteria provided, single submitter. Criteria: ACMG Guidelines, 2015. Collection method: clinical testing. Allele origin: germline.

Fulgent Genetics
Classification: Uncertain significance for Cutis laxa, autosomal dominant 1; Supravalvar aortic stenosis. Last evaluated: 2024-03-01. Review status: criteria provided, single submitter. Criteria: ACMG Guidelines, 2015. Collection method: clinical testing. Allele origin: germline.

PreventionGenetics, part of Exact Sciences
Classification: Uncertain significance for ELN-related condition. Last evaluated: 2023-09-01. Review status: criteria provided, single submitter. Criteria: ACMG Guidelines, 2015. Collection method: clinical testing. Allele origin: germline.
Comment: The ELN c.416G>A variant is predicted to result in the amino acid substitution p.Gly139Glu. To our knowledge, this variant has not been reported in the literature. This variant is reported in 0.0061% of alleles in individuals of East Asian descent in gnomAD. At this time, the clinical significance of this variant is uncertain due to the absence of conclusive functional and genetic evidence.